The following is an entry in ClinVar:

ClinVar aggregate classification (germline): Uncertain significance (1 of 4 stars; one submission).

Submission:

Labcorp Genetics (formerly Invitae), Labcorp
Classification: Uncertain significance. Last evaluated: 2025-10-08. Review status: criteria provided, single submitter. Criteria: Invitae Variant Classification Sherloc (09022015). Collection method: clinical testing. Allele origin: germline.
Comment: This sequence change replaces asparagine, which is neutral and polar, with threonine, which is neutral and polar, at codon 976 of the EPRS protein (p.Asn976Thr). This variant is not present in population databases (gnomAD no frequency). This variant has not been reported in the literature in individuals affected with EPRS-related conditions. An algorithm developed to predict the effect of missense changes on protein structure and function (PolyPhen-2) suggests that this variant is likely to be tolerated. In summary, the available evidence is currently insufficient to determine the role of this variant in disease. Therefore, it has been classified as a Variant of Uncertain Significance.

NM_004446.3(EPRS1):c.2927A>C (p.Asn976Thr)

Gene: EPRS1 (glutamyl-prolyl-tRNA synthetase 1; minus strand). Cytogenetic location: 1q41.
Variant type: single nucleotide variant.
Coding change: c.2927A>C on transcript NM_004446.3 (MANE Select); coding-DNA position 2927, A replaced by C.
Protein change: p.Asn976Thr; replaces asparagine 976 with threonine.
Molecular consequence: missense variant.
Genome position (GRCh38, 1-based): chr1:219,987,253, T>G on the plus strand (A>C on the coding strand, the complement: EPRS1 is on the minus strand). VCF-style: chr1-219987253-T-G. GRCh37 (hg19) VCF-style: chr1-220160595-T-G.
Other names: short protein forms N976T.
Identifiers: ClinVar variation 4764790 (VCV004764790.1).
Genomic context (GRCh38, chr1:219,987,253, plus strand): 5'-CCACCTCCTTGGTTTTTAGAAGGGTCTTTCCTTTGGCCATCATTTTGTTTCTGAGGCTTA[T>G]TCTGCTTTTCAGATTTATTTTCTTTTTCTTTCTTCTTCTTATCTTTGTCCTCAGCTCCAG-3'
Protein context (NP_004437.2, residues 966-986): KEKENKSEKQ[Asn976Thr]KPQKQNDGQR